The following is an entry in ClinVar:

ClinVar aggregate classification (germline): Pathogenic (1 of 4 stars; one submission).

Conditions:
Duchenne muscular dystrophy (DMD). Also called: MUSCULAR DYSTROPHY, PSEUDOHYPERTROPHIC PROGRESSIVE, DUCHENNE TYPE; Duchenne Muscular Dystrophy (DMD). Identifiers: Orphanet 98896, MedGen C0013264, MONDO:0010679, OMIM 310200.

Submission:

Labcorp Genetics (formerly Invitae), Labcorp
Classification: Pathogenic for Duchenne muscular dystrophy. Last evaluated: 2021-01-12. Review status: criteria provided, single submitter. Criteria: Invitae Variant Classification Sherloc (09022015). Collection method: clinical testing. Allele origin: germline.
Comment: This variant is an out-of-frame deletion of the genomic region encompassing exon(s) 8-43 of the DMD gene. This is expected to create a premature translational stop signal and result in an absent or disrupted protein product. This variant has been observed in individual(s) with Duchenne muscular dystrophy (PMID: 14977063). Loss-of-function variants in DMD are known to be pathogenic (PMID: 16770791, 25007885). For these reasons, this variant has been classified as Pathogenic.

Literature cited by the submitters: PubMed 14977063; PubMed 16770791; PubMed 25007885.

NC_000023.10:g.(?_32305636)_(32717420_?)del

Gene: DMD (dystrophin; minus strand). Cytogenetic location: Xp21.1.
Variant type: Deletion.
Identifiers: ClinVar variation 1076357 (VCV001076357.2).